The following is an entry in ClinVar:

ClinVar aggregate classification (germline): Likely benign. Review status: criteria provided, multiple submitters, no conflicts (2 of 4 stars). 3 submissions from 3 submitters: Likely benign (2). 1 of the submissions does not count toward it. Last evaluated 2025-12-29.

Conditions:
RECQL4-related disorder. Also called: RECQL4-related disorders; RECQL4-related condition.
Inborn genetic diseases. Identifiers: MedGen C0950123, MeSH D030342.
Baller-Gerold syndrome (BGS). Also called: CRANIOSYNOSTOSIS WITH RADIAL DEFECTS. Identifiers: Orphanet 1225, MedGen C0265308, MONDO:0009039, OMIM 218600.

gnomAD v4.1: 9 of 1,603,284 alleles (0.00056%); highest among the groups gnomAD compares: African/African-American, 0.0067%; no homozygotes.

Submissions (3):

Labcorp Genetics (formerly Invitae), Labcorp
Classification: Likely benign for Baller-Gerold syndrome. Last evaluated: 2025-12-29. Review status: criteria provided, single submitter. Criteria: Invitae Variant Classification Sherloc (09022015). Collection method: clinical testing. Allele origin: germline.

Ambry Genetics
Classification: Likely benign for Inborn genetic diseases. Last evaluated: 2025-03-22. Review status: criteria provided, single submitter. Criteria: Ambry Variant Classification Scheme 2023. Collection method: clinical testing. Allele origin: germline.

PreventionGenetics, part of Exact Sciences
Classification: Likely benign for RECQL4-related condition. Last evaluated: 2024-07-10. Review status: no assertion criteria provided. Collection method: clinical testing. Allele origin: germline. Not counted in ClinVar's aggregate classification.
Comment: This variant is classified as likely benign based on ACMG/AMP sequence variant interpretation guidelines (Richards et al. 2015 PMID: 25741868, with internal and published modifications).

NM_004260.4(RECQL4):c.465C>T (p.Val155=)

Gene: RECQL4 (RecQ like helicase 4; minus strand). Cytogenetic location: 8q24.3.
Variant type: single nucleotide variant.
Coding change: c.465C>T on transcript NM_004260.4 (MANE Select); coding-DNA position 465, C replaced by T.
Protein change: p.Val155=; no amino-acid change (valine 155 retained).
Molecular consequence: synonymous variant.
Genome position (GRCh38, 1-based): chr8:144,516,654, G>A on the plus strand (C>T on the coding strand, the complement: RECQL4 is on the minus strand). VCF-style: chr8-144516654-G-A. GRCh37 (hg19) VCF-style: chr8-145742038-G-A.
Identifiers: ClinVar variation 529064 (VCV000529064.11), dbSNP rs116137512, ClinGen allele CA4949284.